The following is an entry in ClinVar:

ClinVar aggregate classification (germline): Uncertain significance. Review status: criteria provided, multiple submitters, no conflicts (2 of 4 stars). 3 submissions from 3 submitters: Uncertain significance (3). Last evaluated 2025-05-08.

Conditions:
Cardiomyopathy, dilated, 2D. Identifiers: MedGen C5543535, MONDO:0030300, OMIM 619371.

Allele frequency attached by ClinVar (database versions not stated): TOPMed below 0.00001; gnomAD 0.00001; gnomAD exomes 0.00001; 1000 Genomes Project 30x 0.00016; 1000 Genomes Project 0.00020.
gnomAD v4.1: 8 of 1,610,008 alleles (0.0005%); highest among the groups gnomAD compares: South Asian, 0.0033%; no homozygotes.

Submissions (3):

GeneDx
Classification: Uncertain significance. Last evaluated: 2025-05-08. Review status: criteria provided, single submitter. Criteria: GeneDx Variant Classification Process June 2021. Collection method: clinical testing. Allele origin: germline. Affected: yes.
Comment: In silico analysis supports that this missense variant has a deleterious effect on protein structure/function; Has not been previously published as pathogenic or benign to our knowledge

MVZ Medizinische Genetik Mainz
Classification: Uncertain significance for Cardiomyopathy, dilated, 2D. Last evaluated: 2023-03-27. Review status: criteria provided, single submitter. Criteria: UK Practice Guidelines For Variant Classification V4 01 2020. Collection method: clinical testing. Allele origin: germline. Inheritance: Autosomal recessive inheritance. Affected: yes. Observed: 2 variant alleles.
Comment: ACMG Criteria: p.(Gly270Arg)

Clinical Genomics Laboratory, Stanford Medicine
Classification: Uncertain significance. Last evaluated: 2021-12-28. Review status: criteria provided, single submitter. Criteria: ACMG Guidelines, 2015. Collection method: clinical testing. Allele origin: de novo. Observed: 1 variant allele, 1 heterozygote.
Comment: This variant has been identified in 1/18282 East Asian chromosomes by the Genome Aggregation Database. Although this variant has been seen in the general population, its frequency is low enough to be consistent with a recessive carrier frequency. Computational tools predict that this variant is deleterious; however, the accuracy of in silico algorithms is limited. These data were assessed using the ACMG/AMP variant interpretation guidelines. In summary, the significance of the p.Gly270Arg variant is uncertain. Additional information is needed to resolve the significance of this variant. [ACMG evidence codes used: PS2_supporting; PM2; PP3]

NM_005061.3(RPL3L):c.808G>A (p.Gly270Arg)

Gene: RPL3L (ribosomal protein L3 like; minus strand). Cytogenetic location: 16p13.3.
Variant type: single nucleotide variant.
Coding change: c.808G>A on transcript NM_005061.3 (MANE Select); coding-DNA position 808, G replaced by A.
Protein change: p.Gly270Arg; replaces glycine 270 with arginine.
Molecular consequence: missense variant.
Genome position (GRCh38, 1-based): chr16:1,946,979, C>T on the plus strand (G>A on the coding strand, the complement: RPL3L is on the minus strand). VCF-style: chr16-1946979-C-T. GRCh37 (hg19) VCF-style: chr16-1996980-C-T.
Other names: c.808G>A (NM_005061.2); short protein forms G270R.
Identifiers: ClinVar variation 3066154 (VCV003066154.3), dbSNP rs564278385, ClinGen allele CA276733413.